The following is an entry in ClinVar:

ClinVar aggregate classification (germline): Uncertain significance (1 of 4 stars; one submission).

gnomAD v4.1: 10 of 1,548,200 alleles (0.00065%); highest among the groups gnomAD compares: Non-Finnish European, 0.00087%; no homozygotes.

Submission:

Labcorp Genetics (formerly Invitae), Labcorp
Classification: Uncertain significance. Last evaluated: 2025-08-04. Review status: criteria provided, single submitter. Criteria: Invitae Variant Classification Sherloc (09022015). Collection method: clinical testing. Allele origin: germline.
Comment: This sequence change replaces threonine, which is neutral and polar, with lysine, which is basic and polar, at codon 1277 of the OBSL1 protein (p.Thr1277Lys). The frequency data for this variant in the population databases is considered unreliable, as metrics indicate poor data quality at this position in the gnomAD database. This variant has not been reported in the literature in individuals affected with OBSL1-related conditions. An algorithm developed to predict the effect of missense changes on protein structure and function (PolyPhen-2) suggests that this variant is likely to be disruptive. In summary, the available evidence is currently insufficient to determine the role of this variant in disease. Therefore, it has been classified as a Variant of Uncertain Significance.

NM_015311.3(OBSL1):c.3830C>A (p.Thr1277Lys)

Gene: OBSL1 (obscurin like cytoskeletal adaptor 1; minus strand). Cytogenetic location: 2q35.
Variant type: single nucleotide variant.
Coding change: c.3830C>A on transcript NM_015311.3 (MANE Select); coding-DNA position 3830, C replaced by A.
Protein change: p.Thr1277Lys; replaces threonine 1277 with lysine.
Molecular consequence: missense variant.
Genome position (GRCh38, 1-based): chr2:219,557,579, G>T on the plus strand (C>A on the coding strand, the complement: OBSL1 is on the minus strand). VCF-style: chr2-219557579-G-T. GRCh37 (hg19) VCF-style: chr2-220422301-G-T.
Other names: c.3830C>A, p.Thr1277Lys (NM_001173431.2); short protein forms T1277K.
Identifiers: ClinVar variation 4692436 (VCV004692436.1).